The following is an entry in ClinVar:

NM_000059.4(BRCA2):c.6832del (p.Ile2278fs)

Gene: BRCA2 (BRCA2 DNA repair associated; plus strand). Cytogenetic location: 13q13.1.
Variant type: Deletion.
Coding change: c.6832del on transcript NM_000059.4 (MANE Select); coding-DNA position 6832, one base deleted (A; older notation c.6832delA).
Protein change: p.Ile2278fs; shifts the reading frame from isoleucine 2278.
Molecular consequence: frameshift variant. On other transcripts: non-coding transcript variant (1), intron variant (2).
Genome position (GRCh38, 1-based): chr13:32,341,187, A deleted. VCF-style (leftmost placement, unchanged base first): chr13-32341186-TA-T. GRCh37 (hg19) VCF-style: chr13-32915323-TA-T.
Other names: c.6832del, p.Ile2278fs (NM_001406719.1, NM_001406720.1, NM_001432077.1); c.1910-3371del (NM_001406721.1); c.425-3371del (NM_001406722.1); short protein forms I2278fs.
Identifiers: ClinVar variation 3602639 (VCV003602639.1).

ClinVar aggregate classification (germline): Pathogenic (1 of 4 stars; one submission).

Conditions:
Inherited breast cancer and ovarian cancer.

Submission:

Genomics and Molecular Medicine Service, East Genomic Laboratory Hub, NHS Genomic Medicine Service
Classification: Pathogenic for Inherited breast cancer and ovarian cancer. Last evaluated: 2024-09-18. Review status: criteria provided, single submitter. Criteria: ACGS Best Practice Guidelines for Variant Classification in Rare Disease 2020. Collection method: clinical testing. Allele origin: germline. Affected: yes.
Comment: PVS1,PM2,PM5_Strong